The following is an entry in ClinVar:

NM_000338.3(SLC12A1):c.1560+1G>A

Gene: SLC12A1 (solute carrier family 12 member 1; plus strand). Cytogenetic location: 15q21.1.
Variant type: single nucleotide variant.
Coding change: c.1560+1G>A on transcript NM_000338.3 (MANE Select); the canonical splice donor site of the intron after coding-DNA position 1560, G replaced by A.
Molecular consequence: splice donor variant.
Genome position (GRCh38, 1-based): chr15:48,247,017, G>A. VCF-style: chr15-48247017-G-A. GRCh37 (hg19) VCF-style: chr15-48539214-G-A.
Other names: c.1560+1G>A (NM_000338.2, NM_001384136.1, NM_001184832.2).
Identifiers: ClinVar variation 3577282 (VCV003577282.3).

ClinVar aggregate classification (germline): Likely pathogenic. Review status: criteria provided, multiple submitters, no conflicts (2 of 4 stars). 2 submissions from 2 submitters: Likely pathogenic (2). Last evaluated 2026-06-24.

Conditions:
SLC12A1-related disorder. Also called: SLC12A1-related condition.
Bartter disease type 1. Also called: HYPERPROSTAGLANDIN E SYNDROME 1; HYPOKALEMIC ALKALOSIS WITH HYPERCALCIURIA 1, ANTENATAL; Bartter Syndrome type 1; Bartter syndrome, type 1, antenatal. Identifiers: Orphanet 112, Orphanet 620217, MedGen C1866495, MONDO:0100344, OMIM 601678, MONDO:0011127.

gnomAD v4.1: 77 of 1,607,330 alleles (0.0048%); highest among the groups gnomAD compares: Non-Finnish European, 0.0062%; no homozygotes.

Submissions (2):

PreventionGenetics, part of Exact Sciences
Classification: Likely pathogenic for SLC12A1-related condition. Last evaluated: 2026-06-24. Review status: criteria provided, single submitter. Criteria: ACMG Guidelines, 2015. Collection method: clinical testing. Allele origin: germline.
Comment: The SLC12A1 c.1560+1G>A variant is predicted to disrupt the GT donor site and interfere with normal splicing. To our knowledge, this variant has not been reported in the literature. This variant is reported in 0.0053% of alleles in individuals of European (Non-Finnish) descent in gnomAD. Bartter syndrome (BS) type 1 is an autosomal recessive kidney disorder caused by loss‑of‑function variants in the SLC12A1 gene (see for example, Sun et al. 2017. PubMed ID: 28000888). Of note, a missense variant in exon 12 (codons 485-520), defined as c.1493C>T (p.Ala498Val), has been interpreted as likely pathogenic by different laboratories in the ClinVar database (Variation ID: 2137670), indicating that exon 12, which this canonical splicing variant could affect, is critical for the normal protein function. Taken together, the c.1560+1G>A variant is interpreted as likely pathogenic.

Fulgent Genetics
Classification: Likely pathogenic for Bartter disease type 1. Last evaluated: 2024-04-10. Review status: criteria provided, single submitter. Criteria: ACMG Guidelines, 2015. Collection method: clinical testing. Allele origin: germline.